The following is an entry in ClinVar:

NM_014714.4(IFT140):c.3209C>T (p.Ala1070Val)

Gene: IFT140 (intraflagellar transport 140; minus strand). Cytogenetic location: 16p13.3.
Variant type: single nucleotide variant.
Coding change: c.3209C>T on transcript NM_014714.4 (MANE Select); coding-DNA position 3209, C replaced by T.
Protein change: p.Ala1070Val; replaces alanine 1070 with valine.
Molecular consequence: missense variant.
Genome position (GRCh38, 1-based): chr16:1,523,889, G>A on the plus strand (C>T on the coding strand, the complement: IFT140 is on the minus strand). VCF-style: chr16-1523889-G-A. GRCh37 (hg19) VCF-style: chr16-1573890-G-A.
Other names: short protein forms A1070V.
Identifiers: ClinVar variation 129261 (VCV000129261.23), dbSNP rs2235638, ClinGen allele CA153147.

ClinVar aggregate classification (germline): Benign. Review status: criteria provided, multiple submitters, no conflicts (2 of 4 stars). 11 submissions from 11 submitters: Benign (9). 2 of the submissions do not count toward it. Last evaluated 2026-02-04.

Conditions:
Retinal dystrophy. Also called: Inherited retinal dystrophy. Identifiers: Orphanet 71862, MedGen C0854723, MeSH D058499, MONDO:0019118, HP:0000556.
Saldino-Mainzer syndrome (SRTD9). Also called: short-rib thoracic dysplasia 9 with or without polydactyly; Renal dysplasia, retinal pigmentary dystrophy, cerebellar ataxia and skeletal dysplasia; SHORT-RIB THORACIC DYSPLASIA 9 WITHOUT POLYDACTYLY; CONORENAL SYNDROME. Identifiers: Orphanet 140969, MedGen C1849437, MONDO:0009964, OMIM 266920.

Allele frequency attached by ClinVar (database versions not stated): ESP Exome Variant Server 0.03747; gnomAD 0.05119 and 0.05323; TOPMed 0.06798; 1000 Genomes Project 30x 0.08120; 1000 Genomes Project 0.08327; ExAC 0.08357; gnomAD exomes 0.09370.

Submissions (11):

Labcorp Genetics (formerly Invitae), Labcorp
Classification: Benign for Saldino-Mainzer syndrome. Last evaluated: 2026-02-04. Review status: criteria provided, single submitter. Criteria: Invitae Variant Classification Sherloc (09022015). Collection method: clinical testing. Allele origin: germline.

Blueprint Genetics
Classification: Benign. Last evaluated: 2024-11-28. Review status: criteria provided, single submitter. Criteria: ACMG Guidelines, 2015. Collection method: clinical testing. Allele origin: germline.

Dept Of Ophthalmology, Nagoya University
Classification: Benign for Retinal dystrophy. Last evaluated: 2023-10-01. Review status: criteria provided, single submitter. Criteria: Submitter's publication. Collection method: research. Allele origin: germline. Affected: yes.

Mayo Clinic Laboratories, Mayo Clinic
Classification: Benign. Last evaluated: 2022-03-09. Review status: criteria provided, single submitter. Criteria: ACMG Guidelines, 2015. Collection method: clinical testing. Allele origin: germline. Observed: 11 variant alleles.

Mendelics
Classification: Benign for Saldino-Mainzer syndrome. Last evaluated: 2019-05-28. Review status: criteria provided, single submitter. Criteria: Mendelics Assertion Criteria 2017. Collection method: clinical testing. Allele origin: unknown.

Illumina Laboratory Services, Illumina
Classification: Benign for Saldino-Mainzer syndrome. Last evaluated: 2018-01-13. Review status: criteria provided, single submitter. Criteria: ICSL Variant Classification Criteria 13 December 2019. Collection method: clinical testing. Allele origin: germline.
Comment: This variant was observed in the ICSL laboratory as part of a predisposition screen in an ostensibly healthy population. It had not been previously curated by ICSL or reported in the Human Gene Mutation Database (HGMD: prior to June 1st, 2018), and was therefore a candidate for classification through an automated scoring system. Utilizing variant allele frequency, disease prevalence and penetrance estimates, and inheritance mode, an automated score was calculated to assess if this variant is too frequent to cause the disease. Based on the score and internal cut-off values, a variant classified as benign is not then subjected to further curation. The score for this variant resulted in a classification of benign for this disease.

GeneDx
Classification: Benign. Last evaluated: 2017-10-26. Review status: criteria provided, single submitter. Criteria: GeneDx Variant Classification (06012015). Collection method: clinical testing. Allele origin: germline. Affected: yes.
Comment: This variant is considered likely benign or benign based on one or more of the following criteria: it is a conservative change, it occurs at a poorly conserved position in the protein, it is predicted to be benign by multiple in silico algorithms, and/or has population frequency not consistent with disease.

Clinical Genetics DNA and cytogenetics Diagnostics Lab, Erasmus MC, Erasmus Medical Center
Classification: Benign for Saldino-Mainzer syndrome. Last evaluated: 2015-09-21. Review status: criteria provided, single submitter. Criteria: ACGS Guidelines, 2013. Collection method: clinical testing. Allele origin: germline. Affected: yes. Study: VKGL Data-share Consensus.

Breakthrough Genomics
Classification: Benign. Review status: criteria provided, single submitter. Criteria: ACMG Guidelines, 2015. Collection method: not provided. Allele origin: germline. Inheritance: Autosomal recessive inheritance. Affected: yes.

Diagnostic Laboratory, Department of Genetics, University Medical Center Groningen
Classification: Benign for Saldino-Mainzer syndrome. Review status: no assertion criteria provided. Collection method: clinical testing. Allele origin: germline. Affected: yes. Study: VKGL Data-share Consensus. Not counted in ClinVar's aggregate classification.

Genetic Services Laboratory, University of Chicago
Classification: Likely benign for AllHighlyPenetrant. Review status: no assertion criteria provided. Collection method: clinical testing. Allele origin: germline. Inheritance: Autosomal recessive inheritance. Not counted in ClinVar's aggregate classification.
Comment: Likely benign based on allele frequency in 1000 Genomes Project or ESP global frequency and its presence in a patient with a rare or unrelated disease phenotype. NOT Sanger confirmed.